The following is an entry in ClinVar:

ClinVar aggregate classification (germline): Benign. Review status: criteria provided, single submitter (1 of 4 stars). 2 submissions from 2 submitters: Benign (1). 1 of the submissions does not count toward it. Last evaluated 2025-11-24.

Conditions:
MBTPS1-related disorder. Also called: MBTPS1-related condition.

Submissions (2):

Labcorp Genetics (formerly Invitae), Labcorp
Classification: Benign. Last evaluated: 2025-11-24. Review status: criteria provided, single submitter. Criteria: Invitae Variant Classification Sherloc (09022015). Collection method: clinical testing. Allele origin: germline.

PreventionGenetics, part of Exact Sciences
Classification: Likely benign for MBTPS1-related condition. Last evaluated: 2019-05-24. Review status: no assertion criteria provided. Collection method: clinical testing. Allele origin: germline. Not counted in ClinVar's aggregate classification.
Comment: This variant is classified as likely benign based on ACMG/AMP sequence variant interpretation guidelines (Richards et al. 2015 PMID: 25741868, with internal and published modifications).

NM_003791.4(MBTPS1):c.1783-3dup

Gene: MBTPS1 (membrane bound transcription factor peptidase, site 1; minus strand). Cytogenetic location: 16q23.3.
Variant type: Duplication.
Coding change: c.1783-3dup on transcript NM_003791.4 (MANE Select); 3 bases into the intron before coding-DNA position 1783, one base duplicated (T; older notation c.1783-3dupT).
Molecular consequence: intron variant.
Genome position (GRCh38, 1-based): chr16:84,070,041, A duplicated on the plus strand (T on the coding strand, the reverse complement: MBTPS1 is on the minus strand); the first of 9 consecutive A bases (chr16:84,070,041-84,070,049); duplicating any one gives the same sequence. VCF-style (leftmost placement, unchanged base first): chr16-84070040-T-TA. GRCh37 (hg19) VCF-style: chr16-84103645-T-TA.
Other names: c.1783-3dupT (NM_003791.3).
Identifiers: ClinVar variation 2201042 (VCV002201042.6), dbSNP rs751079150, ClinGen allele CA8201157.
Genomic context (GRCh38, chr16:84,070,040, plus strand): 5'-ATTATCTTCACCTTAATGGGGAGCTTTACTGTTGAAGTCTGTTCTGCACCATTTTTTGAC[T>TA]AAAAAAAAAGAAAAGAAACTTGAAACGCCCTCATTGTGCAGAAAGAAACTTTCAGGTTTG-3'